The following is an entry in ClinVar:

ClinVar aggregate classification (germline): Pathogenic (1 of 4 stars; one submission).

Conditions:
Hereditary spastic paraplegia 15 (SPG15). Also called: SPASTIC PARAPLEGIA 15, AUTOSOMAL RECESSIVE; KJELLIN SYNDROME; SPASTIC PARAPLEGIA AND RETINAL DEGENERATION. Identifiers: Orphanet 100996, MedGen C1849128, MONDO:0010044, OMIM 270700.

Submission:

Myriad Genetics, Inc.
Classification: Pathogenic for Hereditary spastic paraplegia 15. Last evaluated: 2024-06-20. Review status: criteria provided, single submitter. Criteria: Myriad Autosomal Dominant, Autosomal Recessive and X-Linked Classification Criteria (2023). Collection method: clinical testing. Allele origin: unknown.
Comment: NM_015346.3(ZFYVE26):c.1226delT(L409Cfs*81) is expected to be pathogenic in the context of spastic paraplegia type 15. This variant is predicted to lead to an abnormal or absent protein product due to the creation of a premature termination codon in ZFYVE26, a gene where loss-of-function variants are known to be pathogenic. Please note: this variant was assessed in the context of healthy population screening.

NM_015346.4(ZFYVE26):c.1226del (p.Leu409fs)

Gene: ZFYVE26 (zinc finger FYVE-type containing 26; minus strand). Cytogenetic location: 14q24.1.
Variant type: Deletion.
Coding change: c.1226del on transcript NM_015346.4 (MANE Select); coding-DNA position 1226, one base deleted (T; older notation c.1226delT).
Protein change: p.Leu409fs; shifts the reading frame from leucine 409.
Molecular consequence: frameshift variant.
Genome position (GRCh38, 1-based): chr14:67,805,262, A deleted on the plus strand (T on the coding strand, the reverse complement: ZFYVE26 is on the minus strand); the first of 2 consecutive A bases (chr14:67,805,262-67,805,263); deleting either gives the same sequence. VCF-style (leftmost placement, unchanged base first): chr14-67805261-CA-C. GRCh37 (hg19) VCF-style: chr14-68271978-CA-C.
Other names: short protein forms L409fs.
Identifiers: ClinVar variation 5013209 (VCV005013209.1).
Genomic context (GRCh38, chr14:67,805,261, plus strand): 5'-CTGCACAGGGCCATACCTGCTCTGCTGTATGCACCACTCCAGGACCTCCAGGTGAGCCCA[CA>C]ACCCATCACAGGCATCCCTGAGGAGCTCATCACAGCCTGGGCCCTATGTTGATATGGGAG-3'